The following is an entry in ClinVar:

NM_001267550.2(TTN):c.59803_59804del (p.His19936fs)

Genes: TTN-AS1 (TTN antisense RNA 1; plus strand), TTN (titin; minus strand), LOC126806424 (CDK7 strongly-dependent group 2 enhancer GRCh37_chr2:179456337-179457536; plus strand). Cytogenetic location: 2q31.2.
Variant type: Microsatellite.
Coding change: c.59803_59804del on transcript NM_001267550.2 (MANE Select); coding-DNA positions 59803 to 59804, 2 bases deleted (AG; older notation c.59803_59804delAG).
Protein change: p.His19936fs; shifts the reading frame from histidine 19936.
Molecular consequence: frameshift variant.
Genome position (GRCh38, 1-based): chr2:178,592,100-178,592,101, CT deleted on the plus strand (AG on the coding strand, the reverse complement: TTN is on the minus strand); deleting any 2 consecutive bases within chr2:178,592,100-178,592,103 gives the same sequence; the c. name uses the placement nearest the transcript's 3' end. VCF-style (leftmost placement, unchanged base first): chr2-178592099-ACT-A. GRCh37 (hg19) VCF-style: chr2-179456826-ACT-A.
Other names: c.54880_54881del, p.His18295fs (NM_001256850.1); c.32608_32609del, p.His10871fs (NM_003319.4); c.52099_52100del, p.His17368fs (NM_133378.4); c.32983_32984del, p.His10996fs (NM_133432.3); c.33184_33185del, p.His11063fs (NM_133437.4); short protein forms H10871fs, H10996fs, H11063fs, H17368fs, H18295fs, H19936fs.
Identifiers: ClinVar variation 3751148 (VCV003751148.2).
Genomic context (GRCh38, chr2:178,592,099, plus strand): 5'-GTTCTCCGCAGCTACTCGGAAGAGGTACTGGTTGCCTTCATTCAGATGCTTAGCGAAGTG[ACT>A]CTTTTTCTTTGATGTAGCTGAGAGAGGTGACCACTGGGCGCTGGCAACATCTCTCCTCTC-3'

ClinVar aggregate classification (germline): Likely pathogenic (1 of 4 stars; one submission).

Conditions:
Autosomal recessive limb-girdle muscular dystrophy type 2J (LGMDR10). Also called: Limb-girdle muscular dystrophy, type 2J; MUSCULAR DYSTROPHY, LIMB-GIRDLE, AUTOSOMAL RECESSIVE 10. Identifiers: Orphanet 140922, MedGen C1837342, MONDO:0012127, OMIM 608807.
Dilated cardiomyopathy 1G (CMD1G). Identifiers: Orphanet 154, MedGen C1858763, MONDO:0011400, OMIM 604145.

Submission:

Labcorp Genetics (formerly Invitae), Labcorp
Classification: Likely pathogenic for Dilated cardiomyopathy 1G; Autosomal recessive limb-girdle muscular dystrophy type 2J. Last evaluated: 2024-04-22. Review status: criteria provided, single submitter. Criteria: Invitae Variant Classification Sherloc (09022015). Collection method: clinical testing. Allele origin: germline.
Comment: This sequence change creates a premature translational stop signal (p.His19936Leufs*3) in the TTN gene. While this is not anticipated to result in nonsense mediated decay, it is expected to create a truncated TTN protein. This variant is not present in population databases (gnomAD no frequency). This variant has not been reported in the literature in individuals affected with TTN-related conditions. This variant is located in the A band of TTN (PMID: 25589632). Truncating variants in this region are significantly overrepresented in patients affected with dilated cardiomyopathy (PMID: 25589632). Truncating variants in this region have also been reported in individuals affected with autosomal recessive centronuclear myopathy (PMID: 23975875). In summary, the currently available evidence indicates that the variant is pathogenic, but additional data are needed to prove that conclusively. Therefore, this variant has been classified as Likely Pathogenic.

Literature cited by the submitters: PubMed 25589632; PubMed 23975875.